The following is an entry in ClinVar:

ClinVar aggregate classification (germline): Uncertain significance. Review status: criteria provided, multiple submitters, no conflicts (2 of 4 stars). 2 submissions from 2 submitters: Uncertain significance (2). Last evaluated 2024-12-13.

Conditions:
Alport syndrome. Also called: Hemorrhagic familial nephritis; Hemorrhagic hereditary nephritis; Congenital hereditary hematuria. Identifiers: Orphanet 63, MedGen C1567741, MONDO:0018965.
COL4A4-related disorder.

Submissions (2):

PreventionGenetics, part of Exact Sciences
Classification: Uncertain significance for COL4A4-related condition. Last evaluated: 2024-12-13. Review status: criteria provided, single submitter. Criteria: ACMG Guidelines, 2015. Collection method: clinical testing. Allele origin: germline.
Comment: The COL4A4 c.2335C>G variant is predicted to result in the amino acid substitution p.Pro779Ala. To our knowledge, this variant has not been reported in the literature or in a large population database (gnomAD), indicating this variant is rare. At this time, the clinical significance of this variant is uncertain due to the absence of conclusive functional and genetic evidence.

Illumina Laboratory Services, Illumina
Classification: Uncertain significance for Alport syndrome. Last evaluated: 2018-01-12. Review status: criteria provided, single submitter. Criteria: ICSL Variant Classification Criteria 13 December 2019. Collection method: clinical testing. Allele origin: germline.

NM_000092.5(COL4A4):c.2335C>G (p.Pro779Ala)

Gene: COL4A4 (collagen type IV alpha 4 chain; minus strand). Cytogenetic location: 2q36.3.
Variant type: single nucleotide variant.
Coding change: c.2335C>G on transcript NM_000092.5 (MANE Select); coding-DNA position 2335, C replaced by G.
Protein change: p.Pro779Ala; replaces proline 779 with alanine.
Molecular consequence: missense variant.
Genome position (GRCh38, 1-based): chr2:227,059,453, G>C on the plus strand (C>G on the coding strand, the complement: COL4A4 is on the minus strand). VCF-style: chr2-227059453-G-C. GRCh37 (hg19) VCF-style: chr2-227924169-G-C.
Other names: short protein forms P779A.
Identifiers: ClinVar variation 334722 (VCV000334722.6), dbSNP rs886055725, ClinGen allele CA10614431.